The following is an entry in ClinVar:

ClinVar aggregate classification (germline): Uncertain significance. Review status: criteria provided, multiple submitters, no conflicts (2 of 4 stars). 2 submissions from 2 submitters: Uncertain significance (2). Last evaluated 2025-04-17.

Conditions:
Cardiovascular phenotype. Identifiers: MedGen CN230736.
RASopathy. Also called: rasopathies; Noonan spectrum disorder. Identifiers: Orphanet 536391, MedGen C5555857, MONDO:0021060.

Allele frequency attached by ClinVar (database versions not stated): TOPMed below 0.00001; ExAC 0.00001; gnomAD exomes 0.00001.
gnomAD v4.1: 10 of 1,613,586 alleles (0.00062%); highest among the groups gnomAD compares: Non-Finnish European, 0.00085%; no homozygotes.

Submissions (2):

Labcorp Genetics (formerly Invitae), Labcorp
Classification: Uncertain significance for RASopathy. Last evaluated: 2025-04-17. Review status: criteria provided, single submitter. Criteria: Invitae Variant Classification Sherloc (09022015). Collection method: clinical testing. Allele origin: germline.
Comment: This sequence change replaces glutamine, which is neutral and polar, with lysine, which is basic and polar, at codon 229 of the SHOC2 protein (p.Gln229Lys). This variant is present in population databases (rs759669812, gnomAD 0.0009%). This variant has not been reported in the literature in individuals affected with SHOC2-related conditions. ClinVar contains an entry for this variant (Variation ID: 2183242). Invitae Evidence Modeling of protein sequence and biophysical properties (such as structural, functional, and spatial information, amino acid conservation, physicochemical variation, residue mobility, and thermodynamic stability) indicates that this missense variant is not expected to disrupt SHOC2 protein function with a negative predictive value of 80%. In summary, the available evidence is currently insufficient to determine the role of this variant in disease. Therefore, it has been classified as a Variant of Uncertain Significance.

Ambry Genetics
Classification: Uncertain significance for Cardiovascular phenotype. Last evaluated: 2024-09-20. Review status: criteria provided, single submitter. Criteria: Ambry Variant Classification Scheme 2023. Collection method: clinical testing. Allele origin: germline.
Comment: The p.Q229K variant (also known as c.685C>A), located in coding exon 1 of the SHOC2 gene, results from a C to A substitution at nucleotide position 685. The glutamine at codon 229 is replaced by lysine, an amino acid with similar properties. This amino acid position is conserved. In addition, the in silico prediction for this alteration is inconclusive. Based on the available evidence, the clinical significance of this variant remains unclear.

NM_007373.4(SHOC2):c.685C>A (p.Gln229Lys)

Gene: SHOC2 (SHOC2 leucine rich repeat scaffold protein; plus strand). Cytogenetic location: 10q25.2.
Variant type: single nucleotide variant.
Coding change: c.685C>A on transcript NM_007373.4 (MANE Select); coding-DNA position 685, C replaced by A.
Protein change: p.Gln229Lys; replaces glutamine 229 with lysine.
Molecular consequence: missense variant.
Genome position (GRCh38, 1-based): chr10:110,965,043, C>A. VCF-style: chr10-110965043-C-A. GRCh37 (hg19) VCF-style: chr10-112724801-C-A.
Other names: c.685C>A, p.Gln229Lys (NM_001269039.3, NM_001324336.2, NM_001324337.2); short protein forms Q229K.
Identifiers: ClinVar variation 2183242 (VCV002183242.5), dbSNP rs759669812, ClinGen allele CA5689609.